The following is an entry in ClinVar:

ClinVar aggregate classification (germline): Uncertain significance (1 of 4 stars; one submission).

Conditions:
Hereditary spastic paraplegia 31. Also called: SPASTIC PARAPLEGIA 31, AUTOSOMAL DOMINANT. Identifiers: Orphanet 101011, MedGen C1853247, MONDO:0012453, OMIM 610250.

Allele frequency attached by ClinVar (database versions not stated): gnomAD exomes below 0.00001; TOPMed below 0.00001.
gnomAD v4.1: 1 of 1,610,756 alleles (0.000062%); highest among the groups gnomAD compares: Non-Finnish European, 0.000085%; no homozygotes.

Submission:

Labcorp Genetics (formerly Invitae), Labcorp
Classification: Uncertain significance for Hereditary spastic paraplegia 31. Last evaluated: 2019-03-12. Review status: criteria provided, single submitter. Criteria: Invitae Variant Classification Sherloc (09022015). Collection method: clinical testing. Allele origin: germline.
Comment: In summary, the available evidence is currently insufficient to determine the role of this variant in disease. Therefore, it has been classified as a Variant of Uncertain Significance. Algorithms developed to predict the effect of missense changes on protein structure and function are either unavailable or do not agree on the potential impact of this missense change (SIFT: "Tolerated"; PolyPhen-2: "Probably Damaging"; Align-GVGD: "Class C0"). This variant has not been reported in the literature in individuals with REEP1-related conditions. This variant is not present in population databases (ExAC no frequency). This sequence change replaces lysine with glutamine at codon 30 of the REEP1 protein (p.Lys30Gln). The lysine residue is moderately conserved and there is a small physicochemical difference between lysine and glutamine.

NM_001371279.1(REEP1):c.88A>C (p.Lys30Gln)

Gene: REEP1 (receptor accessory protein 1; minus strand). Cytogenetic location: 2p11.2.
Variant type: single nucleotide variant.
Coding change: c.88A>C on transcript NM_001371279.1 (MANE Select); coding-DNA position 88, A replaced by C.
Protein change: p.Lys30Gln; replaces lysine 30 with glutamine.
Molecular consequence: missense variant. On other transcripts: intron variant (1).
Genome position (GRCh38, 1-based): chr2:86,282,187, T>G on the plus strand (A>C on the coding strand, the complement: REEP1 is on the minus strand). VCF-style: chr2-86282187-T-G. GRCh37 (hg19) VCF-style: chr2-86509310-T-G.
Other names: c.109A>C, p.Lys37Gln (NM_001164730.2); c.88A>C, p.Lys30Gln (NM_001164732.2, NM_001371280.1, NM_022912.3); c.25-18146A>C (NM_001164731.2); short protein forms K30Q, K37Q.
Identifiers: ClinVar variation 858808 (VCV000858808.9), dbSNP rs1434743601, ClinGen allele CA347722516.